The following is an entry in ClinVar:

NM_021102.4(SPINT2):c.337+5G>A

Gene: SPINT2 (serine peptidase inhibitor, Kunitz type 2; plus strand). Cytogenetic location: 19q13.2.
Variant type: single nucleotide variant.
Coding change: c.337+5G>A on transcript NM_021102.4 (MANE Select); 5 bases into the intron after coding-DNA position 337, G replaced by A.
Molecular consequence: intron variant.
Genome position (GRCh38, 1-based): chr19:38,287,940, G>A. VCF-style: chr19-38287940-G-A. GRCh37 (hg19) VCF-style: chr19-38778580-G-A.
Other names: c.166+5G>A (NM_001166103.2).
Identifiers: ClinVar variation 1501293 (VCV001501293.3), dbSNP rs775823776, ClinGen allele CA9411422.

ClinVar aggregate classification (germline): Uncertain significance (1 of 4 stars; one submission).

Allele frequency attached by ClinVar (database versions not stated): gnomAD exomes 0.00001 and 0.00003; ExAC 0.00005; TOPMed 0.00006; gnomAD 0.00007.
gnomAD v4.1: 36 of 1,614,054 alleles (0.0022%); highest among the groups gnomAD compares: Admixed American, 0.017%; no homozygotes.

Submission:

Labcorp Genetics (formerly Invitae), Labcorp
Classification: Uncertain significance. Last evaluated: 2021-07-24. Review status: criteria provided, single submitter. Criteria: Invitae Variant Classification Sherloc (09022015). Collection method: clinical testing. Allele origin: germline.
Comment: This sequence change falls in intron 3 of the SPINT2 gene. It does not directly change the encoded amino acid sequence of the SPINT2 protein. It affects a nucleotide within the consensus splice site of the intron. This variant is present in population databases (rs775823776, ExAC 0.02%). This variant has not been reported in the literature in individuals affected with SPINT2-related conditions. Nucleotide substitutions within the consensus splice site are a relatively common cause of aberrant splicing (PMID: 17576681, 9536098). Algorithms developed to predict the effect of sequence changes on RNA splicing suggest that this variant may disrupt the consensus splice site. In summary, the available evidence is currently insufficient to determine the role of this variant in disease. Therefore, it has been classified as a Variant of Uncertain Significance.

Literature cited by the submitters: PubMed 17576681; PubMed 9536098.